The following is an entry in ClinVar:

ClinVar aggregate classification (germline): Uncertain significance (1 of 4 stars; one submission).

Conditions:
Joubert syndrome 25 (JBTS25). Identifiers: Orphanet 475, MedGen C4084842, MONDO:0014770, OMIM 616781.

Submission:

Labcorp Genetics (formerly Invitae), Labcorp
Classification: Uncertain significance for Joubert syndrome 25. Last evaluated: 2024-12-04. Review status: criteria provided, single submitter. Criteria: Invitae Variant Classification Sherloc (09022015). Collection method: clinical testing. Allele origin: germline.
Comment: This sequence change replaces glutamic acid, which is acidic and polar, with glycine, which is neutral and non-polar, at codon 264 of the CEP104 protein (p.Glu264Gly). This variant is not present in population databases (gnomAD no frequency). This variant has not been reported in the literature in individuals affected with CEP104-related conditions. An algorithm developed to predict the effect of missense changes on protein structure and function (PolyPhen-2) suggests that this variant is likely to be disruptive. In summary, the available evidence is currently insufficient to determine the role of this variant in disease. Therefore, it has been classified as a Variant of Uncertain Significance.

NM_014704.4(CEP104):c.791A>G (p.Glu264Gly)

Gene: CEP104 (centrosomal protein 104; minus strand). Cytogenetic location: 1p36.32.
Variant type: single nucleotide variant.
Coding change: c.791A>G on transcript NM_014704.4 (MANE Select); coding-DNA position 791, A replaced by G.
Protein change: p.Glu264Gly; replaces glutamic acid 264 with glycine.
Molecular consequence: missense variant.
Genome position (GRCh38, 1-based): chr1:3,839,064, T>C on the plus strand (A>G on the coding strand, the complement: CEP104 is on the minus strand). VCF-style: chr1-3839064-T-C. GRCh37 (hg19) VCF-style: chr1-3755628-T-C.
Other names: short protein forms E264G.
Identifiers: ClinVar variation 3698098 (VCV003698098.2).